The following is an entry in ClinVar:

NM_138927.4(SON):c.3788C>T (p.Pro1263Leu)

Gene: SON (SON DNA and RNA binding protein; plus strand). Cytogenetic location: 21q22.11.
Variant type: single nucleotide variant.
Coding change: c.3788C>T on transcript NM_138927.4 (MANE Select); coding-DNA position 3788, C replaced by T.
Protein change: p.Pro1263Leu; replaces proline 1263 with leucine.
Molecular consequence: missense variant. On other transcripts: non-coding transcript variant (1), intron variant (1).
Genome position (GRCh38, 1-based): chr21:33,553,019, C>T. VCF-style: chr21-33553019-C-T. GRCh37 (hg19) VCF-style: chr21-34925325-C-T.
Other names: c.3788C>T, p.Pro1263Leu (NM_001291411.2, NM_032195.3); c.245-4137C>T (NM_001291412.3); short protein forms P1263L.
Identifiers: ClinVar variation 3362851 (VCV003362851.3).
Genomic context (GRCh38, chr21:33,553,019, plus strand): 5'-AGGCTGCTGTGACTGTTCCAGAACCACCACCAGAGCCAGAATCTTCAATTACGTTAACAC[C>T]TGTAGAGTCTGCAGTAGTAGCAGAAGAACATGAAGTTGTTCCAGAGAGACCAGTGACTTG-3'
Protein context (NP_620305.3, residues 1253-1273): PEPESSITLT[Pro1263Leu]VESAVVAEEH

ClinVar aggregate classification (germline): Uncertain significance (1 of 4 stars; one submission).

Conditions:
ZTTK syndrome (ZTTKS). Also called: ZTTK MULTIPLE CONGENITAL ANOMALIES-MENTAL RETARDATION SYNDROME; Zhu-Tokita-Takenouchi-Kim Syndrome. Identifiers: Orphanet 500150, MedGen C4310696, MONDO:0014936, OMIM 617140.

gnomAD v4.1: 5 of 1,614,138 alleles (0.00031%); highest among the groups gnomAD compares: South Asian, 0.0055%; no homozygotes.

Submission:

Neuberg Centre For Genomic Medicine, NCGM
Classification: Uncertain significance for ZTTK syndrome. Review status: criteria provided, single submitter. Criteria: ACMG Guidelines, 2015. Collection method: clinical testing. Allele origin: germline. Inheritance: Autosomal dominant inheritance. Affected: yes.
Comment: The observed missense c.3788C>T(p.Pro1263Leu) variant in SON gene has not been reported previously as a pathogenic variant nor a benign variant, to our knowledge. The p.Pro1263Leu variant is absent in gnomAD Exomes. This variant has not been submitted to the ClinVar database. Multiple lines of computational evidences (Polyphen - Probably damaging, SIFT - Damaging and MutationTaster - Disease causing) predict a damaging effect on protein structure and function for this variant. The reference amino acid change at this position on SON gene is predicted as conserved by GERP++ and PhyloP across 100 vertebrates. The amino acid Pro at position 1263 is changed to a Leu changing protein sequence and it might alter its composition and physico-chemical properties. For these reasons, this variant has been classified as a Variant of Uncertain Significance (VUS).